The following is an entry in ClinVar:

ClinVar aggregate classification (germline): Uncertain significance. Review status: criteria provided, multiple submitters, no conflicts (2 of 4 stars). 2 submissions from 2 submitters: Uncertain significance (2). Last evaluated 2022-08-16.

Conditions:
Sulfite oxidase deficiency. Also called: Isolated sulfite oxidase deficiency. Identifiers: Orphanet 833, Orphanet 99731, MedGen C0268624, MONDO:0010089, OMIM 272300, HP:0003643.

Allele frequency attached by ClinVar (database versions not stated): gnomAD exomes 0.00012 and 0.00018; TOPMed 0.00014; 1000 Genomes Project 30x 0.00016; gnomAD 0.00017 and 0.00018; 1000 Genomes Project 0.00020; ESP Exome Variant Server 0.00023; ExAC 0.00027.
gnomAD v4.1: 206 of 1,614,072 alleles (0.013%); highest among the groups gnomAD compares: East Asian, 0.025%; no homozygotes.

Submissions (2):

Labcorp Genetics (formerly Invitae), Labcorp
Classification: Uncertain significance for Sulfite oxidase deficiency. Last evaluated: 2022-08-16. Review status: criteria provided, single submitter. Criteria: Invitae Variant Classification Sherloc (09022015). Collection method: clinical testing. Allele origin: germline.
Comment: This sequence change replaces isoleucine, which is neutral and non-polar, with threonine, which is neutral and polar, at codon 157 of the SUOX protein (p.Ile157Thr). This variant is present in population databases (rs143300414, gnomAD 0.02%). This variant has not been reported in the literature in individuals affected with SUOX-related conditions. ClinVar contains an entry for this variant (Variation ID: 1401588). Algorithms developed to predict the effect of missense changes on protein structure and function (SIFT, PolyPhen-2, Align-GVGD) all suggest that this variant is likely to be disruptive. In summary, the available evidence is currently insufficient to determine the role of this variant in disease. Therefore, it has been classified as a Variant of Uncertain Significance.

Fulgent Genetics
Classification: Uncertain significance for Sulfite oxidase deficiency. Last evaluated: 2022-05-18. Review status: criteria provided, single submitter. Criteria: ACMG Guidelines, 2015. Collection method: clinical testing. Allele origin: unknown.

NM_001032386.2(SUOX):c.470T>C (p.Ile157Thr)

Gene: SUOX (sulfite oxidase; plus strand). Cytogenetic location: 12q13.2.
Variant type: single nucleotide variant.
Coding change: c.470T>C on transcript NM_001032386.2 (MANE Select); coding-DNA position 470, T replaced by C.
Protein change: p.Ile157Thr; replaces isoleucine 157 with threonine.
Molecular consequence: missense variant.
Genome position (GRCh38, 1-based): chr12:56,003,859, T>C. VCF-style: chr12-56003859-T-C. GRCh37 (hg19) VCF-style: chr12-56397643-T-C.
Other names: c.470T>C, p.Ile157Thr (NM_000456.3, NM_001032387.2); short protein forms I157T.
Identifiers: ClinVar variation 1401588 (VCV001401588.5), dbSNP rs143300414, ClinGen allele CA6620987.